The following is an entry in ClinVar:

NC_000015.10:g.(?_44570525)_(44570658_?)del

Gene: SPG11 (SPG11 vesicle trafficking associated, spatacsin; minus strand). Cytogenetic location: 15q21.1.
Variant type: Deletion.
Identifiers: ClinVar variation 417380 (VCV000417380.1).

ClinVar aggregate classification (germline): Pathogenic (1 of 4 stars; one submission).

Conditions:
Hereditary spastic paraplegia 11. Also called: Spastic paraplegia, mental retardation and thin corpus callosum; Spastic Paraplegia 11; Nakamura Osame syndrome; Autosomal recessive hereditary spastic paraplegia, mental impairment, and thin corpus callosum; SPASTIC PARAPLEGIA, AUTOSOMAL RECESSIVE, COMPLICATED, WITH THIN CORPUS CALLOSUM; SPASTIC PARAPLEGIA, AUTOSOMAL RECESSIVE, WITH MENTAL IMPAIRMENT AND THIN CORPUS CALLOSUM. Identifiers: Orphanet 2822, MedGen C1858479, MONDO:0011445, OMIM 604360.

Submission:

Labcorp Genetics (formerly Invitae), Labcorp
Classification: Pathogenic for Hereditary spastic paraplegia 11. Last evaluated: 2016-09-11. Review status: criteria provided, single submitter. Criteria: Invitae Variant Classification Sherloc (09022015). Collection method: clinical testing. Allele origin: germline.
Comment: This variant is a gross deletion of the genomic region encompassing exon 34 of the SPG11 gene. This creates a premature translational stop signal and is expected to result in an absent or disrupted protein product. While this particular variant has not been reported in the literature, truncating variants in SPG11 are known to be pathogenic (PMID: 18079167). For these reasons, this variant has been classified as Pathogenic.